The following is an entry in ClinVar:

ClinVar aggregate classification (germline): Uncertain significance (1 of 4 stars; one submission).

gnomAD v4.1: 7 of 1,597,360 alleles (0.00044%); highest among the groups gnomAD compares: South Asian, 0.0034%; no homozygotes.

Submission:

Labcorp Genetics (formerly Invitae), Labcorp
Classification: Uncertain significance. Last evaluated: 2022-07-13. Review status: criteria provided, single submitter. Criteria: Invitae Variant Classification Sherloc (09022015). Collection method: clinical testing. Allele origin: germline.
Comment: In summary, the available evidence is currently insufficient to determine the role of this variant in disease. Therefore, it has been classified as a Variant of Uncertain Significance. Algorithms developed to predict the effect of missense changes on protein structure and function are either unavailable or do not agree on the potential impact of this missense change (SIFT: "Not Available"; PolyPhen-2: "Benign"; Align-GVGD: "Not Available"). This variant has not been reported in the literature in individuals affected with IREB2-related conditions. This variant is not present in population databases (gnomAD no frequency). This sequence change replaces proline, which is neutral and non-polar, with serine, which is neutral and polar, at codon 4 of the IREB2 protein (p.Pro4Ser).

NM_004136.4(IREB2):c.10C>T (p.Pro4Ser)

Gene: IREB2 (iron responsive element binding protein 2; plus strand). Cytogenetic location: 15q25.1.
Variant type: single nucleotide variant.
Coding change: c.10C>T on transcript NM_004136.4 (MANE Select); coding-DNA position 10, C replaced by T.
Protein change: p.Pro4Ser; replaces proline 4 with serine.
Molecular consequence: missense variant. On other transcripts: 5 prime UTR variant (1), intron variant (1).
Genome position (GRCh38, 1-based): chr15:78,438,347, C>T. VCF-style: chr15-78438347-C-T. GRCh37 (hg19) VCF-style: chr15-78730689-C-T.
Other names: c.-671C>T (NM_001320941.2); c.10C>T, p.Pro4Ser (NM_001320943.2); c.-153+626C>T (NM_001354994.2); short protein forms P4S.
Identifiers: ClinVar variation 1974073 (VCV001974073.5), dbSNP rs751197364, ClinGen allele CA393562922.
Genomic context (GRCh38, chr15:78,438,347, plus strand): 5'-CCTTCTTCCCCCGCTGGCCCCCTCCCCGGAGGGATAATATGGTCTCCGGCGATGGACGCC[C>T]CAAAAGCAGGTCAGTTTCGGGCCTCCGAGCTGGGTCTGGCAGTTGGAAACGCGCGCTGCC-3'
Protein context (NP_004127.2, residues 1-14): MDA[Pro4Ser]KAGYAFEYLI